The following is an entry in ClinVar:

NM_004656.4(BAP1):c.1684C>G (p.Leu562Val)

Gene: BAP1 (BRCA1 associated deubiquitinase 1; minus strand). Cytogenetic location: 3p21.1.
Variant type: single nucleotide variant.
Coding change: c.1684C>G on transcript NM_004656.4 (MANE Select); coding-DNA position 1684, C replaced by G.
Protein change: p.Leu562Val; replaces leucine 562 with valine.
Molecular consequence: missense variant.
Genome position (GRCh38, 1-based): chr3:52,403,461, G>C on the plus strand (C>G on the coding strand, the complement: BAP1 is on the minus strand). VCF-style: chr3-52403461-G-C. GRCh37 (hg19) VCF-style: chr3-52437477-G-C.
Other names: c.1630C>G, p.Leu544Val (NM_001410772.1); short protein forms L544V, L562V.
Identifiers: ClinVar variation 2083043 (VCV002083043.5), dbSNP rs2153226596, ClinGen allele CA353099863.

ClinVar aggregate classification (germline): Uncertain significance. Review status: criteria provided, multiple submitters, no conflicts (2 of 4 stars). 2 submissions from 2 submitters: Uncertain significance (2). Last evaluated 2026-05-14.

Conditions:
BAP1-related tumor predisposition syndrome (TPDS1). Also called: COMMON Syndrome; Tumor susceptibility linked to germline BAP1 mutations; TUMOR PREDISPOSITION SYNDROME 1; BAP1 tumor predisposition syndrome. Identifiers: Orphanet 289539, MedGen C3280492, MONDO:0013692, OMIM 614327.
Hereditary cancer-predisposing syndrome. Also called: Neoplastic Syndromes, Hereditary; Tumor predisposition; Hereditary Cancer Syndrome; Hereditary neoplastic syndrome. Identifiers: Orphanet 140162, MedGen C0027672, MeSH D009386, MONDO:0015356.

Submissions (2):

Ambry Genetics
Classification: Uncertain significance for Hereditary cancer-predisposing syndrome. Last evaluated: 2026-05-14. Review status: criteria provided, single submitter. Criteria: Ambry Variant Classification Scheme 2023. Collection method: clinical testing. Allele origin: germline.
Comment: The p.L562V variant (also known as c.1684C>G), located in coding exon 13 of the BAP1 gene, results from a C to G substitution at nucleotide position 1684. The leucine at codon 562 is replaced by valine, an amino acid with highly similar properties. This amino acid position is conserved. In addition, the in silico prediction for this alteration is inconclusive. Based on the available evidence, the clinical significance of this variant remains unclear.

Labcorp Genetics (formerly Invitae), Labcorp
Classification: Uncertain significance for BAP1-related tumor predisposition syndrome. Last evaluated: 2026-01-07. Review status: criteria provided, single submitter. Criteria: Invitae Variant Classification Sherloc (09022015). Collection method: clinical testing. Allele origin: germline.
Comment: This sequence change replaces leucine, which is neutral and non-polar, with valine, which is neutral and non-polar, at codon 562 of the BAP1 protein (p.Leu562Val). This variant is not present in population databases (gnomAD no frequency). This variant has not been reported in the literature in individuals affected with BAP1-related conditions. ClinVar contains an entry for this variant (Variation ID: 2083043). Invitae Evidence Modeling of protein sequence and biophysical properties (such as structural, functional, and spatial information, amino acid conservation, physicochemical variation, residue mobility, and thermodynamic stability) indicates that this missense variant is not expected to disrupt BAP1 protein function with a negative predictive value of 80%. In summary, the available evidence is currently insufficient to determine the role of this variant in disease. Therefore, it has been classified as a Variant of Uncertain Significance.